The following is an entry in ClinVar:

NM_002474.3(MYH11):c.727-3C>T

Gene: MYH11 (myosin heavy chain 11; minus strand). Cytogenetic location: 16p13.11.
Variant type: single nucleotide variant.
Coding change: c.727-3C>T on transcript NM_002474.3 (MANE Select); 3 bases into the intron before coding-DNA position 727, C replaced by T.
Molecular consequence: intron variant.
Genome position (GRCh38, 1-based): chr16:15,778,846, G>A on the plus strand (C>T on the coding strand, the complement: MYH11 is on the minus strand). VCF-style: chr16-15778846-G-A. GRCh37 (hg19) VCF-style: chr16-15872703-G-A.
Other names: c.727-3C>T (NM_022844.3); c.748-3C>T (NM_001040114.2, NM_001040113.2).
Identifiers: ClinVar variation 4734803 (VCV004734803.1).

ClinVar aggregate classification (germline): Uncertain significance (1 of 4 stars; one submission).

Conditions:
Aortic aneurysm, familial thoracic 4 (AAT4). Also called: AORTIC ANEURYSM/AORTIC DISSECTION AND PATENT DUCTUS ARTERIOSUS. Identifiers: MedGen C1851504, MONDO:0007568, OMIM 132900.

Submission:

Labcorp Genetics (formerly Invitae), Labcorp
Classification: Uncertain significance for Aortic aneurysm, familial thoracic 4. Last evaluated: 2026-01-06. Review status: criteria provided, single submitter. Criteria: Invitae Variant Classification Sherloc (09022015). Collection method: clinical testing. Allele origin: germline.
Comment: This sequence change falls in intron 7 of the MYH11 gene. It does not directly change the encoded amino acid sequence of the MYH11 protein. It affects a nucleotide within the consensus splice site. This variant is not present in population databases (gnomAD no frequency). This variant has not been reported in the literature in individuals affected with MYH11-related conditions. Variants that disrupt the consensus splice site are a relatively common cause of aberrant splicing (PMID: 17576681, 9536098). Algorithms developed to predict the effect of sequence changes on RNA splicing suggest that this variant is not likely to affect RNA splicing. In summary, the available evidence is currently insufficient to determine the role of this variant in disease. Therefore, it has been classified as a Variant of Uncertain Significance.

Literature cited by the submitters: PubMed 17576681; PubMed 9536098.